The following is an entry in ClinVar:

ClinVar aggregate classification (germline): Uncertain significance (1 of 4 stars; one submission).

Allele frequency attached by ClinVar (database versions not stated): gnomAD exomes 0.00001.
gnomAD v4.1: 7 of 1,613,188 alleles (0.00043%); highest among the groups gnomAD compares: Non-Finnish European, 0.00059%; no homozygotes.

Submission:

Ambry Genetics
Classification: Uncertain significance. Last evaluated: 2025-06-13. Review status: criteria provided, single submitter. Criteria: Ambry Variant Classification Scheme 2023. Collection method: clinical testing. Allele origin: germline.
Comment: The p.V330L variant (also known as c.988G>C), located in coding exon 8 of the RECQL gene, results from a G to C substitution at nucleotide position 988. The valine at codon 330 is replaced by leucine, an amino acid with highly similar properties. This amino acid position is highly conserved in available vertebrate species. In addition, the in silico prediction for this alteration is inconclusive. Since supporting evidence is limited at this time, the clinical significance of this alteration remains unclear.

NM_002907.4(RECQL):c.988G>C (p.Val330Leu)

Gene: RECQL (RecQ like helicase; minus strand). Cytogenetic location: 12p12.1.
Variant type: single nucleotide variant.
Coding change: c.988G>C on transcript NM_002907.4 (MANE Select); coding-DNA position 988, G replaced by C.
Protein change: p.Val330Leu; replaces valine 330 with leucine.
Molecular consequence: missense variant.
Genome position (GRCh38, 1-based): chr12:21,475,786, C>G on the plus strand (G>C on the coding strand, the complement: RECQL is on the minus strand). VCF-style: chr12-21475786-C-G. GRCh37 (hg19) VCF-style: chr12-21628720-C-G.
Other names: c.988G>C, p.Val330Leu (NM_032941.3); short protein forms V330L.
Identifiers: ClinVar variation 1768502 (VCV001768502.3), dbSNP rs2540347103, ClinGen allele CA384122018.